The following is an entry in ClinVar:

ClinVar aggregate classification (germline): Likely benign. Review status: criteria provided, multiple submitters, no conflicts (2 of 4 stars). 5 submissions from 5 submitters: Likely benign (4). 1 of the submissions does not count toward it. Last evaluated 2025-12-26.

Conditions:
Kindler syndrome (KNDLRS). Also called: BULLOUS ACROKERATOTIC POIKILODERMA OF KINDLER AND WEARY; POIKILODERMA, CONGENITAL, WITH BULLAE, WEARY TYPE; POIKILODERMA, HEREDITARY ACROKERATOTIC; Kindler's syndrome; Hereditary acrokeratotic poikiloderma of Weary; Poikiloderma of Kindler. Identifiers: Orphanet 2908, Orphanet 306539, MedGen C0406557, MONDO:0008260, OMIM 173650.
FERMT1-related disorder. Also called: FERMT1-related condition.

Allele frequency attached by ClinVar (database versions not stated): ESP Exome Variant Server 0.00023; gnomAD 0.00026 and 0.00029; ExAC 0.00030; TOPMed 0.00033; gnomAD exomes 0.00045; 1000 Genomes Project 30x 0.00047; 1000 Genomes Project 0.00060.
gnomAD v4.1: 442 of 1,614,140 alleles (0.027%); highest among the groups gnomAD compares: Middle Eastern, 0.46%; 4 homozygotes.

Submissions (5):

Labcorp Genetics (formerly Invitae), Labcorp
Classification: Likely benign. Last evaluated: 2025-12-26. Review status: criteria provided, single submitter. Criteria: Invitae Variant Classification Sherloc (09022015). Collection method: clinical testing. Allele origin: germline.

Dubai Health Genomic Medicine Center, Dubai Health
Classification: Likely benign for Kindler syndrome. Last evaluated: 2020-12-10. Review status: criteria provided, single submitter. Criteria: ACMG Guidelines, 2015. Collection method: clinical testing. Allele origin: germline. Affected: yes.

Illumina Laboratory Services, Illumina
Classification: Likely benign for Kindler syndrome. Last evaluated: 2017-08-17. Review status: criteria provided, single submitter. Criteria: ICSL Variant Classification Criteria 13 December 2019. Collection method: clinical testing. Allele origin: germline.
Comment: This variant was observed as part of a predisposition screen in an ostensibly healthy population. A literature search was performed for the gene, cDNA change, and amino acid change (where applicable). Publications were found based on this search. The evidence from the literature, in combination with allele frequency data from public databases where available, was sufficient to determine this variant is unlikely to cause disease. Therefore, this variant is classified as likely benign.

Breakthrough Genomics
Classification: Likely benign. Review status: criteria provided, single submitter. Criteria: ACMG Guidelines, 2015. Collection method: not provided. Allele origin: germline. Inheritance: Autosomal recessive inheritance. Affected: yes.

PreventionGenetics, part of Exact Sciences
Classification: Likely benign for FERMT1-related condition. Last evaluated: 2019-12-16. Review status: no assertion criteria provided. Collection method: clinical testing. Allele origin: germline. Not counted in ClinVar's aggregate classification.
Comment: This variant is classified as likely benign based on ACMG/AMP sequence variant interpretation guidelines (Richards et al. 2015 PMID: 25741868, with internal and published modifications).

Literature cited by the submitters: PubMed 25437880 (cited by Illumina Laboratory Services, Illumina).

NM_017671.5(FERMT1):c.293G>A (p.Arg98His)

Gene: FERMT1 (FERM domain containing kindlin 1; minus strand). Cytogenetic location: 20p12.3.
Variant type: single nucleotide variant.
Coding change: c.293G>A on transcript NM_017671.5 (MANE Select); coding-DNA position 293, G replaced by A.
Protein change: p.Arg98His; replaces arginine 98 with histidine.
Molecular consequence: missense variant.
Genome position (GRCh38, 1-based): chr20:6,115,903, C>T on the plus strand (G>A on the coding strand, the complement: FERMT1 is on the minus strand). VCF-style: chr20-6115903-C-T. GRCh37 (hg19) VCF-style: chr20-6096550-C-T.
Other names: short protein forms R98H.
Identifiers: ClinVar variation 711081 (VCV000711081.17), dbSNP rs137862671, ClinGen allele CA9758496.